The following is an entry in ClinVar:

NC_000003.12:g.(?_52404447)_(52408612_?)del

Gene: BAP1 (BRCA1 associated deubiquitinase 1; minus strand). Cytogenetic location: 3p21.1.
Variant type: Deletion.
Identifiers: ClinVar variation 472656 (VCV000472656.9).

ClinVar aggregate classification (germline): Likely pathogenic (1 of 4 stars; one submission).

Conditions:
BAP1-related tumor predisposition syndrome (TPDS1). Also called: COMMON Syndrome; TUMOR PREDISPOSITION SYNDROME 1; BAP1 tumor predisposition syndrome; Tumor susceptibility linked to germline BAP1 mutations. Identifiers: Orphanet 289539, MedGen C3280492, MONDO:0013692, OMIM 614327.

Submission:

Labcorp Genetics (formerly Invitae), Labcorp
Classification: Likely pathogenic for BAP1-related tumor predisposition syndrome. Last evaluated: 2017-06-28. Review status: criteria provided, single submitter. Criteria: Invitae Variant Classification Sherloc (09022015). Collection method: clinical testing. Allele origin: germline.
Comment: In summary, this variant is an in-frame deletion that likely disrupts important functional domains in the BAP1 protein. This evidence indicates that the variant is pathogenic, but additional data is needed to prove that conclusively. Therefore, this variant has been classified as Likely Pathogenic. While this variant is not expected to result in nonsense mediated decay, it is expected to delete amino acid residues 41-417 of the BAP1 protein (~50% of the protein sequence), thereby removing the interaction domains for BARD1 and HFC1, and most of the ubiquitin carboxyl-terminal hydrolase domain (PMID: 23550303). Although functional studies have not been done for this particular variant, loss of this region of the protein likely disrupts BAP1 function. Deletions of exons 4-12 have not been reported in the literature in individuals with BAP1-related disease. This variant is an in-frame deletion of the genomic region encompassing exons 4-12 of the BAP1 gene. It preserves the integrity of the reading frame.

Literature cited by the submitters: PubMed 23550303.